The following is an entry in ClinVar:

NM_177438.3(DICER1):c.4454A>G (p.Lys1485Arg)

Gene: DICER1 (dicer 1, ribonuclease III; minus strand). Cytogenetic location: 14q32.13.
Variant type: single nucleotide variant.
Coding change: c.4454A>G on transcript NM_177438.3 (MANE Select); coding-DNA position 4454, A replaced by G.
Protein change: p.Lys1485Arg; replaces lysine 1485 with arginine.
Molecular consequence: missense variant. On other transcripts: non-coding transcript variant (6).
Genome position (GRCh38, 1-based): chr14:95,096,466, T>C on the plus strand (A>G on the coding strand, the complement: DICER1 is on the minus strand). VCF-style: chr14-95096466-T-C. GRCh37 (hg19) VCF-style: chr14-95562803-T-C.
Other names: c.4454A>G, p.Lys1485Arg (NM_001195573.1, NM_001271282.3, NM_001291628.2 and 12 more transcripts); c.4172A>G, p.Lys1391Arg (NM_001395686.1); c.4049A>G, p.Lys1350Arg (NM_001395687.1, NM_001395688.1, NM_001395689.1 and 2 more transcripts); c.3887A>G, p.Lys1296Arg (NM_001395691.1); c.2771A>G, p.Lys924Arg (NM_001395697.1); short protein forms K1350R, K1391R, K1485R, K1296R, K924R.
Identifiers: ClinVar variation 5035260 (VCV005035260.1).

ClinVar aggregate classification (germline): Uncertain significance (1 of 4 stars; one submission).

Conditions:
Hereditary cancer-predisposing syndrome. Also called: Hereditary Cancer Syndrome; Neoplastic Syndromes, Hereditary; Tumor predisposition; Hereditary neoplastic syndrome. Identifiers: Orphanet 140162, MedGen C0027672, MeSH D009386, MONDO:0015356.

Submission:

Ambry Genetics
Classification: Uncertain significance for Hereditary cancer-predisposing syndrome. Last evaluated: 2026-07-07. Review status: criteria provided, single submitter. Criteria: Ambry Variant Classification Scheme 2023. Collection method: clinical testing. Allele origin: germline.
Comment: The p.K1485R variant (also known as c.4454A>G), located in coding exon 22 of the DICER1 gene, results from an A to G substitution at nucleotide position 4454. The lysine at codon 1485 is replaced by arginine, an amino acid with highly similar properties. This amino acid position is conserved. In addition, this alteration is predicted to be tolerated by in silico analysis. Based on the available evidence, the clinical significance of this variant remains unclear.